The following is an entry in ClinVar:

NM_001372051.1(CASP8):c.853G>A (p.Asp285Asn)

Gene: CASP8 (caspase 8; plus strand). Cytogenetic location: 2q33.1.
Variant type: single nucleotide variant.
Coding change: c.853G>A on transcript NM_001372051.1 (MANE Select); coding-DNA position 853, G replaced by A.
Protein change: p.Asp285Asn; replaces aspartic acid 285 with asparagine.
Molecular consequence: missense variant. On other transcripts: non-coding transcript variant (22), intron variant (1).
Genome position (GRCh38, 1-based): chr2:201,284,866, G>A. VCF-style: chr2-201284866-G-A. GRCh37 (hg19) VCF-style: chr2-202149589-G-A.
Other names: c.808G>A, p.Asp270Asn (NM_001400663.1, NM_001400661.1, NM_001400662.1 and 5 more transcripts); c.784G>A, p.Asp262Asn (NM_001400664.1); c.778G>A, p.Asp260Asn (NM_001400665.1); c.646G>A, p.Asp216Asn (NM_001400666.1); c.985G>A, p.Asp329Asn (NM_001400642.1); c.853G>A, p.Asp285Asn (NM_001400657.1, NM_001400653.1, NM_001400654.1 and 5 more transcripts); c.1030G>A, p.Asp344Asn (NM_001080125.2); c.904G>A, p.Asp302Asn (NM_001228.5); and 7 more; short protein forms D285N, D270N, D302N, D344N, D182N, D201N, D216N, D260N.
Identifiers: ClinVar variation 1347161 (VCV001347161.8), dbSNP rs1045485, ClinGen allele CA350298761.

ClinVar aggregate classification (germline): Uncertain significance (1 of 4 stars; one submission).

Conditions:
Autoimmune lymphoproliferative syndrome type 2B. Also called: AUTOIMMUNE LYMPHOPROLIFERATIVE SYNDROME, TYPE IIB. Identifiers: Orphanet 275517, MedGen C1846545, MONDO:0011804, OMIM 607271.

gnomAD v4.1: 7 of 1,613,934 alleles (0.00043%); highest among the groups gnomAD compares: East Asian, 0.0067%; no homozygotes.

Submission:

Labcorp Genetics (formerly Invitae), Labcorp
Classification: Uncertain significance for Autoimmune lymphoproliferative syndrome type 2B. Last evaluated: 2024-10-14. Review status: criteria provided, single submitter. Criteria: Invitae Variant Classification Sherloc (09022015). Collection method: clinical testing. Allele origin: germline.
Comment: This sequence change replaces aspartic acid, which is acidic and polar, with asparagine, which is neutral and polar, at codon 302 of the CASP8 protein (p.Asp302Asn). This variant is present in population databases (no rsID available, gnomAD 0.006%). This variant has not been reported in the literature in individuals affected with CASP8-related conditions. ClinVar contains an entry for this variant (Variation ID: 1347161). Invitae Evidence Modeling of protein sequence and biophysical properties (such as structural, functional, and spatial information, amino acid conservation, physicochemical variation, residue mobility, and thermodynamic stability) indicates that this missense variant is not expected to disrupt CASP8 protein function with a negative predictive value of 80%. In summary, the available evidence is currently insufficient to determine the role of this variant in disease. Therefore, it has been classified as a Variant of Uncertain Significance.